The following is an entry in ClinVar:

NM_007194.4(CHEK2):c.1619C>T (p.Ala540Val)

Gene: CHEK2 (checkpoint kinase 2; minus strand). Cytogenetic location: 22q12.1.
Variant type: single nucleotide variant.
Coding change: c.1619C>T on transcript NM_007194.4 (MANE Select); coding-DNA position 1619, C replaced by T.
Protein change: p.Ala540Val; replaces alanine 540 with valine.
Molecular consequence: missense variant.
Genome position (GRCh38, 1-based): chr22:28,687,910, G>A on the plus strand (C>T on the coding strand, the complement: CHEK2 is on the minus strand). VCF-style: chr22-28687910-G-A. GRCh37 (hg19) VCF-style: chr22-29083898-G-A.
Other names: c.1748C>T, p.Ala583Val (NM_001005735.3); c.956C>T, p.Ala319Val (NM_001257387.3); c.1418C>T, p.Ala473Val (NM_001349956.3); c.1532C>T, p.Ala511Val (NM_145862.3); short protein forms A540V, A473V, A511V, A583V, A319V.
Identifiers: ClinVar variation 584521 (VCV000584521.15), dbSNP rs1569101970, ClinGen allele CA411090983.
Genomic context (GRCh38, chr22:28,687,910, plus strand): 5'-GACAGAGTGAAAGAAGGTACATTTCTTTCGTGTTCAAACCACGGAGTTCACAACACAGCA[G>A]CACACACAGCTGGGCGCTTTGTGGTCTCGGCACCCTCGGCTTCCCCTTCACGGGGCCGCT-3'
Protein context (NP_009125.1, residues 530-543): AETTKRPAVC[Ala540Val]AVL

ClinVar aggregate classification (germline): Uncertain significance. Review status: criteria provided, multiple submitters, no conflicts (2 of 4 stars). 4 submissions from 4 submitters: Uncertain significance (4). Last evaluated 2025-05-01.

Conditions:
Familial cancer of breast. Also called: Hereditary breast cancer; hereditary breast carcinoma; BREAST CANCER, FAMILIAL. Identifiers: Orphanet 227535, MedGen C0346153, MONDO:0016419, OMIM 114480. Disease mechanism: loss of function.
Hereditary cancer-predisposing syndrome. Also called: Neoplastic Syndromes, Hereditary; Hereditary Cancer Syndrome; Tumor predisposition; Hereditary neoplastic syndrome. Identifiers: Orphanet 140162, MedGen C0027672, MeSH D009386, MONDO:0015356.

Submissions (4):

Labcorp Genetics (formerly Invitae), Labcorp
Classification: Uncertain significance for Familial cancer of breast. Last evaluated: 2025-05-01. Review status: criteria provided, single submitter. Criteria: Invitae Variant Classification Sherloc (09022015). Collection method: clinical testing. Allele origin: germline.
Comment: This sequence change replaces alanine, which is neutral and non-polar, with valine, which is neutral and non-polar, at codon 540 of the CHEK2 protein (p.Ala540Val). This variant is not present in population databases (gnomAD no frequency). This variant has not been reported in the literature in individuals affected with CHEK2-related conditions. ClinVar contains an entry for this variant (Variation ID: 584521). An algorithm developed to predict the effect of missense changes on protein structure and function (PolyPhen-2) suggests that this variant is likely to be tolerated. In summary, the available evidence is currently insufficient to determine the role of this variant in disease. Therefore, it has been classified as a Variant of Uncertain Significance.

Color Diagnostics, LLC DBA Color Health
Classification: Uncertain significance for Hereditary cancer-predisposing syndrome. Last evaluated: 2025-02-10. Review status: criteria provided, single submitter. Criteria: ACMG Guidelines, 2015. Collection method: clinical testing. Allele origin: germline.
Comment: This missense variant replaces alanine with valine at codon 540 of the CHEK2 protein. Computational prediction suggests that this variant may not impact protein structure and function. To our knowledge, functional studies have not been reported for this variant. This variant has not been reported in individuals affected with CHEK2-related disorders in the literature. This variant has not been identified in the general population by the Genome Aggregation Database (gnomAD). The available evidence is insufficient to determine the role of this variant in disease conclusively. Therefore, this variant is classified as a Variant of Uncertain Significance.

Ambry Genetics
Classification: Uncertain significance for Hereditary cancer-predisposing syndrome. Last evaluated: 2024-08-01. Review status: criteria provided, single submitter. Criteria: Ambry Variant Classification Scheme 2023. Collection method: clinical testing. Allele origin: germline.
Comment: The p.A540V variant (also known as c.1619C>T), located in coding exon 14 of the CHEK2 gene, results from a C to T substitution at nucleotide position 1619. The alanine at codon 540 is replaced by valine, an amino acid with similar properties. This alteration has been reported as variant of uncertain significance in 1/1197 individuals from Greece, Romania, and Turkey undergoing evaluation for inherited cancer predisposition (Tsaousis GN et al. BMC Cancer, 2019 Jun;19:535). This amino acid position is not well conserved in available vertebrate species. In addition, this alteration is predicted to be tolerated by in silico analysis. Based on the available evidence, the clinical significance of this variant remains unclear.

GeneKor MSA
Classification: Uncertain significance for Hereditary cancer-predisposing syndrome. Last evaluated: 2018-08-01. Review status: criteria provided, single submitter. Criteria: ACMG Guidelines, 2015. Collection method: clinical testing. Allele origin: germline. Affected: yes.

Literature cited by the submitters: PubMed 31159747 (cited by Ambry Genetics).